The following is an entry in ClinVar:

NM_006648.4(WNK2):c.2769C>G (p.Asp923Glu)

Gene: WNK2 (WNK lysine deficient protein kinase 2; plus strand). Cytogenetic location: 9q22.31.
Variant type: single nucleotide variant.
Coding change: c.2769C>G on transcript NM_006648.4 (MANE Select); coding-DNA position 2769, C replaced by G.
Protein change: p.Asp923Glu; replaces aspartic acid 923 with glutamic acid.
Molecular consequence: missense variant.
Genome position (GRCh38, 1-based): chr9:93,259,317, C>G. VCF-style: chr9-93259317-C-G. GRCh37 (hg19) VCF-style: chr9-96021599-C-G.
Other names: c.2769C>G, p.Asp923Glu (NM_001282394.3); short protein forms D923E.
Identifiers: ClinVar variation 3981870 (VCV003981870.1).

ClinVar aggregate classification (germline): Uncertain significance (1 of 4 stars; one submission).

Submission:

Ambry Genetics
Classification: Uncertain significance. Last evaluated: 2025-04-13. Review status: criteria provided, single submitter. Criteria: Ambry Variant Classification Scheme 2023. Collection method: clinical testing. Allele origin: germline.
Comment: The p.D923E variant (also known as c.2769C>G), located in coding exon 11 of the WNK2 gene, results from a C to G substitution at nucleotide position 2769. The aspartic acid at codon 923 is replaced by glutamic acid, an amino acid with highly similar properties. This amino acid position is conserved. In addition, this alteration is predicted to be tolerated by in silico analysis. Based on the available evidence, the clinical significance of this variant remains unclear.